The following is an entry in ClinVar:

NM_001110556.2(FLNA):c.7837C>A (p.Leu2613Ile)

Genes: FLNA (filamin A; minus strand), LOC107988032 (Xq28 proximal FLNA-EMD recombination region; plus strand). Cytogenetic location: Xq28.
Variant type: single nucleotide variant.
Coding change: c.7837C>A on transcript NM_001110556.2 (MANE Select); coding-DNA position 7837, C replaced by A.
Protein change: p.Leu2613Ile; replaces leucine 2613 with isoleucine.
Molecular consequence: missense variant.
Genome position (GRCh38, 1-based): chrX:154,348,956, G>T on the plus strand (C>A on the coding strand, the complement: FLNA is on the minus strand). VCF-style: chrX-154348956-G-T. GRCh37 (hg19) VCF-style: chrX-153577324-G-T.
Other names: c.7813C>A, p.Leu2605Ile (NM_001456.4); short protein forms L2605I, L2613I.
Identifiers: ClinVar variation 3753965 (VCV003753965.2).

ClinVar aggregate classification (germline): Uncertain significance (1 of 4 stars; one submission).

Conditions:
Melnick-Needles syndrome (MNS). Also called: MELNICK-NEEDLES OSTEODYSPLASTY; OSTEODYSPLASTY OF MELNICK AND NEEDLES; Melnick-Needles Syndrome (FLNA-MNS). Identifiers: Orphanet 2484, MedGen C0025237, MONDO:0010650, OMIM 309350.
Frontometaphyseal dysplasia (FMD1). Identifiers: Orphanet 1826, MedGen C0265293, MONDO:0015942.
Heterotopia, periventricular, X-linked dominant (PVNH1). Also called: PERIVENTRICULAR NODULAR HETEROTOPIA 1; X-linked periventricular heterotopia; PERIVENTRICULAR NODULAR HETEROTOPIA 4; HETEROTOPIA, PERIVENTRICULAR, 1. Identifiers: Orphanet 2149, Orphanet 82004, MedGen C1848213, MONDO:0010233, OMIM 300049.
Oto-palato-digital syndrome, type II (OPD2). Also called: FACIOPALATOOSSEOUS SYNDROME; OPD II SYNDROME; Otopalatodigital Syndrome, Type II; Otopalatodigital Syndrome Type 2 (FLNA-OPD2). Identifiers: Orphanet 669, Orphanet 90652, MedGen C1844696, MONDO:0010571, OMIM 304120.

Submission:

Labcorp Genetics (formerly Invitae), Labcorp
Classification: Uncertain significance for Oto-palato-digital syndrome, type II; Heterotopia, periventricular, X-linked dominant; Frontometaphyseal dysplasia; Melnick-Needles syndrome. Last evaluated: 2024-02-07. Review status: criteria provided, single submitter. Criteria: Invitae Variant Classification Sherloc (09022015). Collection method: clinical testing. Allele origin: germline.
Comment: This sequence change replaces leucine, which is neutral and non-polar, with isoleucine, which is neutral and non-polar, at codon 2605 of the FLNA protein (p.Leu2605Ile). This variant is not present in population databases (gnomAD no frequency). This variant has not been reported in the literature in individuals affected with FLNA-related conditions. Advanced modeling of protein sequence and biophysical properties (such as structural, functional, and spatial information, amino acid conservation, physicochemical variation, residue mobility, and thermodynamic stability) performed at Invitae indicates that this missense variant is not expected to disrupt FLNA protein function with a negative predictive value of 95%. In summary, the available evidence is currently insufficient to determine the role of this variant in disease. Therefore, it has been classified as a Variant of Uncertain Significance.